The following is an entry in ClinVar:

ClinVar aggregate classification (germline): Benign. Review status: criteria provided, multiple submitters, no conflicts (2 of 4 stars). 3 submissions from 3 submitters: Benign (3). Last evaluated 2025-12-21.

Conditions:
Epileptic encephalopathy. Identifiers: MedGen C0543888, HP:0200134.

Allele frequency attached by ClinVar (database versions not stated): gnomAD exomes 0.00005 and 0.00012; ExAC 0.00015; TOPMed 0.00029; 1000 Genomes Project 30x 0.00031; 1000 Genomes Project 0.00040; ESP Exome Variant Server 0.00046; gnomAD 0.00054.
gnomAD v4.1: 142 of 1,611,756 alleles (0.0088%); highest among the groups gnomAD compares: African/African-American, 0.16%; no homozygotes.

Submissions (3):

Labcorp Genetics (formerly Invitae), Labcorp
Classification: Benign for Epileptic encephalopathy. Last evaluated: 2025-12-21. Review status: criteria provided, single submitter. Criteria: Invitae Variant Classification Sherloc (09022015). Collection method: clinical testing. Allele origin: germline.

CeGaT Center for Human Genetics Tuebingen
Classification: Benign. Last evaluated: 2022-04-01. Review status: criteria provided, single submitter. Criteria: CeGaT Center For Human Genetics Tuebingen Variant Classification Criteria Version 2. Collection method: clinical testing. Allele origin: germline. Affected: yes. Observed: 1 variant allele.
Comment: GABBR2: BS1, BS2

GeneDx
Classification: Benign. Last evaluated: 2021-10-03. Review status: criteria provided, single submitter. Criteria: GeneDx Variant Classification Process June 2021. Collection method: clinical testing. Allele origin: germline. Affected: yes.

NM_005458.8(GABBR2):c.1383C>T (p.Ser461=)

Gene: GABBR2 (gamma-aminobutyric acid type B receptor subunit 2; minus strand). Cytogenetic location: 9q22.33.
Variant type: single nucleotide variant.
Coding change: c.1383C>T on transcript NM_005458.8 (MANE Select); coding-DNA position 1383, C replaced by T.
Protein change: p.Ser461=; no amino-acid change (serine 461 retained).
Molecular consequence: synonymous variant.
Genome position (GRCh38, 1-based): chr9:98,389,000, G>A on the plus strand (C>T on the coding strand, the complement: GABBR2 is on the minus strand). VCF-style: chr9-98389000-G-A. GRCh37 (hg19) VCF-style: chr9-101151282-G-A.
Identifiers: ClinVar variation 772574 (VCV000772574.36), dbSNP rs55677951, ClinGen allele CA5152722.